The following is an entry in ClinVar:

ClinVar aggregate classification (germline): Uncertain significance (1 of 4 stars; one submission).

Allele frequency attached by ClinVar (database versions not stated): TOPMed 0.00001; ExAC 0.00005; gnomAD 0.00001; gnomAD exomes 0.00001.

Submission:

Labcorp Genetics (formerly Invitae), Labcorp
Classification: Uncertain significance. Last evaluated: 2021-12-11. Review status: criteria provided, single submitter. Criteria: Invitae Variant Classification Sherloc (09022015). Collection method: clinical testing. Allele origin: germline.
Comment: In summary, the available evidence is currently insufficient to determine the role of this variant in disease. Therefore, it has been classified as a Variant of Uncertain Significance. Algorithms developed to predict the effect of missense changes on protein structure and function output the following: SIFT: "Deleterious"; PolyPhen-2: "Benign"; Align-GVGD: "Class C0". The glycine amino acid residue is found in multiple mammalian species, which suggests that this missense change does not adversely affect protein function. This variant has not been reported in the literature in individuals affected with HMCN1-related conditions. This variant is present in population databases (rs768180860, gnomAD 0.01%). This sequence change replaces aspartic acid, which is acidic and polar, with glycine, which is neutral and non-polar, at codon 1686 of the HMCN1 protein (p.Asp1686Gly).

NM_031935.3(HMCN1):c.5057A>G (p.Asp1686Gly)

Gene: HMCN1 (hemicentin 1; plus strand). Cytogenetic location: 1q31.1.
Variant type: single nucleotide variant.
Coding change: c.5057A>G on transcript NM_031935.3 (MANE Select); coding-DNA position 5057, A replaced by G.
Protein change: p.Asp1686Gly; replaces aspartic acid 1686 with glycine.
Molecular consequence: missense variant.
Genome position (GRCh38, 1-based): chr1:186,016,105, A>G. VCF-style: chr1-186016105-A-G. GRCh37 (hg19) VCF-style: chr1-185985237-A-G.
Other names: short protein forms D1686G.
Identifiers: ClinVar variation 1975075 (VCV001975075.5), dbSNP rs768180860, ClinGen allele CA1292166.